The following is an entry in ClinVar:

ClinVar aggregate classification (germline): Conflicting classifications of pathogenicity. Review status: criteria provided, conflicting classifications (1 of 4 stars). 6 submissions from 6 submitters: Pathogenic (1); Likely pathogenic (2); Uncertain significance (2). 1 of the submissions does not count toward it. Last evaluated 2026-07-29.

Conditions:
PIGH-related disorder. Also called: PIGH-related condition.
Glycosylphosphatidylinositol biosynthesis defect 17. Identifiers: MedGen C4747891, MONDO:0060724, OMIM 618010.
Inborn genetic diseases. Identifiers: MedGen C0950123, MeSH D030342.

Allele frequency attached by ClinVar (database versions not stated): gnomAD 0.00001; gnomAD exomes 0.00001 and 0.00003; TOPMed 0.00002; ExAC 0.00005; ESP Exome Variant Server 0.00009.
gnomAD v4.1: 15 of 1,550,500 alleles (0.00097%); highest among the groups gnomAD compares: Admixed American, 0.0059%; no homozygotes.

Submissions (6):

GeneDx
Classification: Likely pathogenic. Last evaluated: 2026-07-29. Review status: criteria provided, single submitter. Criteria: GeneDx Variant Classification Process June 2021. Collection method: clinical testing. Allele origin: germline.
Comment: In silico analysis supports that this missense variant has a deleterious effect on protein structure/function; This variant is associated with the following publications: (PMID: 33156547, 35445667)

Blueprint Genetics
Classification: Pathogenic for PIGH-related disorders. Last evaluated: 2023-12-28. Review status: criteria provided, single submitter. Criteria: ACMG Guidelines, 2015. Collection method: clinical testing. Allele origin: germline. Affected: yes. Observed: 5 variant alleles.

PreventionGenetics, part of Exact Sciences
Classification: Likely pathogenic for PIGH-related condition. Last evaluated: 2023-08-25. Review status: criteria provided, single submitter. Criteria: ACMG Guidelines, 2015. Collection method: clinical testing. Allele origin: germline.
Comment: The PIGH c.487C>T variant is predicted to result in the amino acid substitution p.Arg163Trp. This variant was reported in the homozygous state in two siblings with developmental delay, seizures, and skeletal manifestations, as well as in an unrelated individual with developmental delay, seizures, and cerebral atrophy (Tremblay-Laganière et al. 2021. PubMed ID: 33156547; do Rosario et al. 2022. PubMed ID: 35445667). This variant is reported in 0.0089% of alleles in individuals of East Asian descent in gnomAD. Based on this evidence, we interpret this variant as likely pathogenic.

Ambry Genetics
Classification: Uncertain significance for Inborn genetic diseases. Last evaluated: 2022-06-17. Review status: criteria provided, single submitter. Criteria: Ambry Variant Classification Scheme 2023. Collection method: clinical testing. Allele origin: germline.

Kasturba Medical College, Manipal, Kasturba Medical College, Manipal, Manipal Academy of Higher Education, Manipal, India
Classification: Uncertain significance for Glycosylphosphatidylinositol biosynthesis defect 17. Review status: criteria provided, single submitter. Criteria: ACMG Guidelines, 2015. Collection method: clinical testing. Allele origin: inherited. Inheritance: Autosomal recessive inheritance. Affected: yes.

OMIM
Classification: Pathogenic for GLYCOSYLPHOSPHATIDYLINOSITOL BIOSYNTHESIS DEFECT 17. Last evaluated: 2022-12-28. Review status: no assertion criteria provided. Collection method: literature only. Allele origin: germline. Not counted in ClinVar's aggregate classification.

Literature cited by the submitters: PubMed 33156547 (cited by Ambry Genetics and OMIM); PubMed 35445667 (cited by Ambry Genetics and OMIM).

NM_004569.5(PIGH):c.487C>T (p.Arg163Trp)

Genes: GPHN (gephyrin; plus strand), PIGH (phosphatidylinositol glycan anchor biosynthesis class H; minus strand). Cytogenetic location: 14q24.1.
Variant type: single nucleotide variant.
Coding change: c.487C>T on transcript NM_004569.5 (MANE Select); coding-DNA position 487, C replaced by T.
Protein change: p.Arg163Trp; replaces arginine 163 with tryptophan.
Molecular consequence: missense variant.
Genome position (GRCh38, 1-based): chr14:67,590,160, G>A on the plus strand (C>T on the coding strand, the complement: PIGH is on the minus strand). VCF-style: chr14-67590160-G-A. GRCh37 (hg19) VCF-style: chr14-68056877-G-A.
Other names: c.484C>T, p.Arg162Trp (NM_001363694.2); c.487C>T (NM_004569.3); short protein forms R162W, R163W.
Identifiers: ClinVar variation 1332855 (VCV001332855.15), dbSNP rs370763975, ClinGen allele CA7237506.